The following is an entry in ClinVar:

ClinVar aggregate classification (germline): Uncertain significance (1 of 4 stars; one submission).

Allele frequency attached by ClinVar (database versions not stated): ExAC 0.00001; gnomAD 0.00001; gnomAD exomes 0.00001.
gnomAD v4.1: 4 of 1,614,014 alleles (0.00025%); highest among the groups gnomAD compares: Admixed American, 0.005%; no homozygotes.

Submission:

Labcorp Genetics (formerly Invitae), Labcorp
Classification: Uncertain significance. Last evaluated: 2023-04-19. Review status: criteria provided, single submitter. Criteria: Invitae Variant Classification Sherloc (09022015). Collection method: clinical testing. Allele origin: germline.
Comment: This variant has not been reported in the literature in individuals affected with TTBK2-related conditions. An algorithm developed to predict the effect of missense changes on protein structure and function (PolyPhen-2) suggests that this variant is likely to be tolerated. In summary, the available evidence is currently insufficient to determine the role of this variant in disease. Therefore, it has been classified as a Variant of Uncertain Significance. This variant is present in population databases (rs771401532, gnomAD 0.006%). This sequence change replaces aspartic acid, which is acidic and polar, with asparagine, which is neutral and polar, at codon 838 of the TTBK2 protein (p.Asp838Asn).

NM_173500.4(TTBK2):c.2512G>A (p.Asp838Asn)

Gene: TTBK2 (tau tubulin kinase 2; minus strand). Cytogenetic location: 15q15.2.
Variant type: single nucleotide variant.
Coding change: c.2512G>A on transcript NM_173500.4 (MANE Select); coding-DNA position 2512, G replaced by A.
Protein change: p.Asp838Asn; replaces aspartic acid 838 with asparagine.
Molecular consequence: missense variant.
Genome position (GRCh38, 1-based): chr15:42,752,734, C>T on the plus strand (G>A on the coding strand, the complement: TTBK2 is on the minus strand). VCF-style: chr15-42752734-C-T. GRCh37 (hg19) VCF-style: chr15-43044932-C-T.
Other names: short protein forms D838N.
Identifiers: ClinVar variation 3007348 (VCV003007348.3), dbSNP rs771401532, ClinGen allele CA7516726.